The following is an entry in ClinVar:

ClinVar aggregate classification (germline): Uncertain significance (1 of 4 stars; one submission).

Submission:

Women's Health and Genetics/Laboratory Corporation of America, LabCorp
Classification: Uncertain significance. Last evaluated: 2026-06-22. Review status: criteria provided, single submitter. Criteria: LabCorp Variant Classification Summary - May 2015. Collection method: clinical testing. Allele origin: germline.
Comment: Variant summary: DNMT3A c.2246G>T (p.Arg749Leu) results in a non-conservative amino acid change located in the SAM-dependent MTase C5-type domain (CKB database) of the encoded protein sequence. Algorithms developed to predict the effect of missense changes on protein structure and function all suggest that this variant is likely to be disruptive. The frequency data for this variant in gnomAD is considered unreliable, as metrics indicate poor data quality at this position. To our knowledge, no occurrence of c.2246G>T in individuals affected with DNMT3A-related conditions and no experimental evidence demonstrating its impact on protein function have been reported. No submitters have cited clinical-significance assessments for this variant to ClinVar. Based on the evidence outlined above, the variant was classified as uncertain significance.

Literature cited by the submitters: PubMed 27288520; PubMed 23632886; PubMed 23341344; PubMed 22077061; PubMed 25172541; PubMed 21067377; PubMed 22291079; PubMed 21967546; PubMed 22124213; PubMed 22417203; PubMed 27733013; PubMed 27636998; PubMed 22289988; PubMed 21537334; PubMed 21670448; PubMed 24936645; PubMed 21415852; PubMed 22722750; PubMed 22216861; PubMed 27418649; PubMed 25281355; PubMed 27276561.

NM_022552.5(DNMT3A):c.2246G>T (p.Arg749Leu)

Gene: DNMT3A (DNA methyltransferase 3 alpha; minus strand). Cytogenetic location: 2p23.3.
Variant type: single nucleotide variant.
Coding change: c.2246G>T on transcript NM_022552.5 (MANE Select); coding-DNA position 2246, G replaced by T.
Protein change: p.Arg749Leu; replaces arginine 749 with leucine.
Molecular consequence: missense variant. On other transcripts: non-coding transcript variant (1).
Genome position (GRCh38, 1-based): chr2:25,240,378, C>A on the plus strand (G>T on the coding strand, the complement: DNMT3A is on the minus strand). VCF-style: chr2-25240378-C-A. GRCh37 (hg19) VCF-style: chr2-25463247-C-A.
Other names: c.1790G>T, p.Arg597Leu (NM_001320893.1); c.1577G>T, p.Arg526Leu (NM_001375819.1); c.1679G>T, p.Arg560Leu (NM_153759.3); c.2246G>T, p.Arg749Leu (NM_175629.2); short protein forms R526L, R560L, R597L, R749L.
Identifiers: ClinVar variation 4887755 (VCV004887755.1).
Genomic context (GRCh38, chr2:25,240,378, plus strand): 5'-ATGTCCCTCTTGTCACTAACGCCCATGGCCACCACATTCTCAAAGAGCCAGAAGAAGGGG[C>A]GATCATCTCCCTCCTTGGGCCGCGCATCATGCAGGAGGCGGTAGAACTCAAAGAAGAGCC-3'
Protein context (NP_072046.2, residues 739-759): HDARPKEGDD[Arg749Leu]PFFWLFENVV